The following is an entry in ClinVar:

ClinVar aggregate classification (germline): Pathogenic (1 of 4 stars; one submission).

Submission:

Labcorp Genetics (formerly Invitae), Labcorp
Classification: Pathogenic. Last evaluated: 2023-04-06. Review status: criteria provided, single submitter. Criteria: Invitae Variant Classification Sherloc (09022015). Collection method: clinical testing. Allele origin: germline.
Comment: For these reasons, this variant has been classified as Pathogenic. This variant has not been reported in the literature in individuals affected with FOXRED1-related conditions. This variant is not present in population databases (gnomAD no frequency). This sequence change creates a premature translational stop signal (p.Gln240*) in the FOXRED1 gene. It is expected to result in an absent or disrupted protein product. Loss-of-function variants in FOXRED1 are known to be pathogenic (PMID: 20818383, 20858599).

Literature cited by the submitters: PubMed 20818383; PubMed 20858599.

NM_017547.4(FOXRED1):c.718C>T (p.Gln240Ter)

Gene: FOXRED1 (FAD dependent oxidoreductase domain containing 1; plus strand). Cytogenetic location: 11q24.2.
Variant type: single nucleotide variant.
Coding change: c.718C>T on transcript NM_017547.4 (MANE Select); coding-DNA position 718, C replaced by T.
Protein change: p.Gln240Ter; replaces glutamine 240 with a stop codon.
Molecular consequence: nonsense. On other transcripts: non-coding transcript variant (2).
Genome position (GRCh38, 1-based): chr11:126,275,413, C>T. VCF-style: chr11-126275413-C-T. GRCh37 (hg19) VCF-style: chr11-126145308-C-T.
Other names: c.748C>T, p.Gln250Ter (NM_001425160.1); c.718C>T, p.Gln240Ter (NM_001425161.1, NM_001425163.1, NM_001425165.1 and 1 more transcripts); c.715C>T, p.Gln239Ter (NM_001425164.1); c.208C>T, p.Gln70Ter (NM_001425168.1, NM_001425169.1, NM_001425170.1); c.157C>T, p.Gln53Ter (NM_001425171.1, NM_001425172.1); c.85C>T, p.Gln29Ter (NM_001425173.1, NM_001425174.1, NM_001425175.1); short protein forms Q240*, Q53*, Q239*, Q70*, Q250*, Q29*.
Identifiers: ClinVar variation 2850062 (VCV002850062.3), dbSNP rs1951102099, ClinGen allele CA383230254.
Genomic context (GRCh38, chr11:126,275,413, plus strand): 5'-CCCTGGTGTCTGCTCCAGGGGCTTCGGCGAAAGGTCCAGTCCTTGGGAGTCCTTTTCTGC[C>T]AGGGAGAGGTGACACGTGAGTCTGAGCTTGTTTCCTCTAGCAACCGGGGCATAGGCCTAG-3'